The following is an entry in ClinVar:

ClinVar aggregate classification (germline): Uncertain significance (1 of 4 stars; one submission).

Conditions:
Pierson syndrome. Also called: MICROCORIA-CONGENITAL NEPHROTIC SYNDROME. Identifiers: Orphanet 2670, MedGen C1836876, MONDO:0012184, OMIM 609049.
LAMB2-related infantile-onset nephrotic syndrome. Also called: Nephrotic Syndrome, type 5; NEPHROTIC SYNDROME, TYPE 5, WITHOUT OCULAR ABNORMALITIES; NEPHROTIC SYNDROME, TYPE 5, WITH OCULAR ABNORMALITIES. Identifiers: Orphanet 306507, MedGen C3280113, MONDO:0013621, OMIM 614199.

Submission:

Labcorp Genetics (formerly Invitae), Labcorp
Classification: Uncertain significance for LAMB2-related infantile-onset nephrotic syndrome; Pierson syndrome. Last evaluated: 2022-05-29. Review status: criteria provided, single submitter. Criteria: Invitae Variant Classification Sherloc (09022015). Collection method: clinical testing. Allele origin: germline.
Comment: This sequence change replaces cysteine, which is neutral and slightly polar, with tyrosine, which is neutral and polar, at codon 1067 of the LAMB2 protein (p.Cys1067Tyr). This variant is not present in population databases (gnomAD no frequency). This variant has not been reported in the literature in individuals affected with LAMB2-related conditions. Algorithms developed to predict the effect of missense changes on protein structure and function (SIFT, PolyPhen-2, Align-GVGD) all suggest that this variant is likely to be disruptive. In summary, the available evidence is currently insufficient to determine the role of this variant in disease. Therefore, it has been classified as a Variant of Uncertain Significance.

NM_002292.4(LAMB2):c.3200G>A (p.Cys1067Tyr)

Gene: LAMB2 (laminin subunit beta 2; minus strand). Cytogenetic location: 3p21.31.
Variant type: single nucleotide variant.
Coding change: c.3200G>A on transcript NM_002292.4 (MANE Select); coding-DNA position 3200, G replaced by A.
Protein change: p.Cys1067Tyr; replaces cysteine 1067 with tyrosine.
Molecular consequence: missense variant.
Genome position (GRCh38, 1-based): chr3:49,124,522, C>T on the plus strand (G>A on the coding strand, the complement: LAMB2 is on the minus strand). VCF-style: chr3-49124522-C-T. GRCh37 (hg19) VCF-style: chr3-49161955-C-T.
Other names: short protein forms C1067Y.
Identifiers: ClinVar variation 2000288 (VCV002000288.4), dbSNP rs2472539075, ClinGen allele CA352711386.